The following is an entry in ClinVar:

ClinVar aggregate classification (germline): Uncertain significance (1 of 4 stars; one submission).

Allele frequency attached by ClinVar (database versions not stated): gnomAD exomes below 0.00001; ExAC 0.00001; TOPMed 0.00001.
gnomAD v4.1: 2 of 1,612,728 alleles (0.00012%); highest among the groups gnomAD compares: Admixed American, 0.0017%; no homozygotes.

Submission:

GeneDx
Classification: Uncertain significance. Last evaluated: 2022-05-10. Review status: criteria provided, single submitter. Criteria: GeneDx Variant Classification Process June 2021. Collection method: clinical testing. Allele origin: germline. Affected: yes.
Comment: Has not been previously published as pathogenic or benign to our knowledge; Not observed at significant frequency in large population cohorts (gnomAD); In silico analysis supports that this missense variant has a deleterious effect on protein structure/function

NM_021628.3(ALOXE3):c.1298T>C (p.Ile433Thr)

Gene: ALOXE3 (arachidonate epidermal lipoxygenase 3; minus strand). Cytogenetic location: 17p13.1.
Variant type: single nucleotide variant.
Coding change: c.1298T>C on transcript NM_021628.3 (MANE Select); coding-DNA position 1298, T replaced by C.
Protein change: p.Ile433Thr; replaces isoleucine 433 with threonine.
Molecular consequence: missense variant.
Genome position (GRCh38, 1-based): chr17:8,110,099, A>G on the plus strand (T>C on the coding strand, the complement: ALOXE3 is on the minus strand). VCF-style: chr17-8110099-A-G. GRCh37 (hg19) VCF-style: chr17-8013417-A-G.
Other names: c.1694T>C, p.Ile565Thr (NM_001165960.1); c.1295T>C, p.Ile432Thr (NM_001369446.1); short protein forms I432T, I433T, I565T.
Identifiers: ClinVar variation 1723713 (VCV001723713.2), dbSNP rs749834593, ClinGen allele CA8368147.